The following is an entry in ClinVar:

ClinVar aggregate classification (germline): Uncertain significance (1 of 4 stars; one submission).

Conditions:
Werner syndrome (WRN). Identifiers: Orphanet 902, MedGen C0043119, MONDO:0010196, OMIM 277700.

Submission:

Labcorp Genetics (formerly Invitae), Labcorp
Classification: Uncertain significance for Werner syndrome. Last evaluated: 2026-01-12. Review status: criteria provided, single submitter. Criteria: Invitae Variant Classification Sherloc (09022015). Collection method: clinical testing. Allele origin: germline.
Comment: This sequence change affects codon 1293 of the WRN mRNA. It is a 'silent' change, meaning that it does not change the encoded amino acid sequence of the WRN protein. This variant is not present in population databases (gnomAD no frequency). This variant has not been reported in the literature in individuals affected with WRN-related conditions. Algorithms developed to predict the effect of sequence changes on RNA splicing suggest that this variant may create or strengthen a splice site. In summary, the available evidence is currently insufficient to determine the role of this variant in disease. Therefore, it has been classified as a Variant of Uncertain Significance.

NM_000553.6(WRN):c.3879A>G (p.Gln1293=)

Gene: WRN (WRN RecQ like helicase; plus strand). Cytogenetic location: 8p12.
Variant type: single nucleotide variant.
Coding change: c.3879A>G on transcript NM_000553.6 (MANE Select); coding-DNA position 3879, A replaced by G.
Protein change: p.Gln1293=; no amino-acid change (glutamine 1293 retained).
Molecular consequence: synonymous variant.
Genome position (GRCh38, 1-based): chr8:31,157,427, A>G. VCF-style: chr8-31157427-A-G. GRCh37 (hg19) VCF-style: chr8-31014943-A-G.
Identifiers: ClinVar variation 4734709 (VCV004734709.1).